The following is an entry in ClinVar:

ClinVar aggregate classification (germline): Uncertain significance (1 of 4 stars; one submission).

Submission:

GeneDx
Classification: Uncertain significance. Last evaluated: 2026-02-12. Review status: criteria provided, single submitter. Criteria: GeneDx Variant Classification Process June 2021. Collection method: clinical testing. Allele origin: germline.
Comment: Not observed at significant frequency in large population cohorts (gnomAD); In silico analysis supports that this missense variant has a deleterious effect on protein structure/function; Has not been previously published as pathogenic or benign to our knowledge

NM_001353345.2(SETD1B):c.2751G>T (p.Lys917Asn)

Gene: SETD1B (SET domain containing 1B, histone lysine methyltransferase; plus strand). Cytogenetic location: 12q24.31.
Variant type: single nucleotide variant.
Coding change: c.2751G>T on transcript NM_001353345.2 (MANE Select); coding-DNA position 2751, G replaced by T.
Protein change: p.Lys917Asn; replaces lysine 917 with asparagine.
Molecular consequence: missense variant.
Genome position (GRCh38, 1-based): chr12:121,817,068, G>T. VCF-style: chr12-121817068-G-T. GRCh37 (hg19) VCF-style: chr12-122254974-G-T.
Other names: short protein forms K917N.
Identifiers: ClinVar variation 5008320 (VCV005008320.1).